The following is an entry in ClinVar:

ClinVar aggregate classification (germline): Pathogenic (1 of 4 stars; one submission).

Conditions:
Cardiovascular phenotype. Identifiers: MedGen CN230736.
Hereditary cancer-predisposing syndrome. Also called: Tumor predisposition; Neoplastic Syndromes, Hereditary; Hereditary neoplastic syndrome; Hereditary Cancer Syndrome. Identifiers: Orphanet 140162, MedGen C0027672, MeSH D009386, MONDO:0015356.

gnomAD v4.1: 1 of 1,614,160 alleles (0.000062%); highest among the groups gnomAD compares: Non-Finnish European, 0.000085%; no homozygotes.

Submission:

Ambry Genetics
Classification: Pathogenic for Cardiovascular phenotype; Hereditary cancer-predisposing syndrome. Last evaluated: 2025-08-20. Review status: criteria provided, single submitter. Criteria: Ambry Variant Classification Scheme 2023. Collection method: clinical testing. Allele origin: germline.
Comment: The p.Y76* pathogenic mutation (also known as c.228T>A), located in coding exon 2 of the LZTR1 gene, results from a T to A substitution at nucleotide position 228. This changes the amino acid from a tyrosine to a stop codon within coding exon 2. This variant is considered to be rare based on population cohorts in the Genome Aggregation Database (gnomAD). This alteration is expected to result in loss of function by premature protein truncation or nonsense-mediated mRNA decay. Loss-of-function variants in LZTR1 are related to an increased risk for schwannomas and autosomal recessive Noonan syndrome; however, such associations with autosomal dominant Noonan syndrome have not been observed (Piotrowski A et al. Nat Genet. 2014 Feb;46:182-7; Yamamoto GL et al. J Med Genet. 2015 Jun;52:413-21; Johnston JJ et al. Genet Med. 2018 10;20:1175-1185). Based on the supporting evidence, this variant is pathogenic for an increased risk of LZTR1-related schwannomatosis (SWN) and would be expected to cause autosomal recessive Noonan syndrome when present along with a second pathogenic or likely pathogenic variant on the other allele; however, the association of this alteration with autosomal dominant Noonan syndrome is unlikely.

NM_006767.4(LZTR1):c.228T>A (p.Tyr76Ter)

Gene: LZTR1 (leucine zipper like post translational regulator 1; plus strand). Cytogenetic location: 22q11.21.
Variant type: single nucleotide variant.
Coding change: c.228T>A on transcript NM_006767.4 (MANE Select); coding-DNA position 228, T replaced by A.
Protein change: p.Tyr76Ter; replaces tyrosine 76 with a stop codon.
Molecular consequence: nonsense.
Genome position (GRCh38, 1-based): chr22:20,983,054, T>A. VCF-style: chr22-20983054-T-A. GRCh37 (hg19) VCF-style: chr22-21337343-T-A.
Other names: short protein forms Y76*.
Identifiers: ClinVar variation 4101915 (VCV004101915.1).